The following is an entry in ClinVar:

NM_201384.3(PLEC):c.11143C>G (p.Leu3715Val)

Gene: PLEC (plectin; minus strand). Cytogenetic location: 8q24.3.
Variant type: single nucleotide variant.
Coding change: c.11143C>G on transcript NM_201384.3 (MANE Select); coding-DNA position 11143, C replaced by G.
Protein change: p.Leu3715Val; replaces leucine 3715 with valine.
Molecular consequence: missense variant.
Genome position (GRCh38, 1-based): chr8:143,918,678, G>C on the plus strand (C>G on the coding strand, the complement: PLEC is on the minus strand). VCF-style: chr8-143918678-G-C. GRCh37 (hg19) VCF-style: chr8-144992846-G-C.
Other names: c.11224C>G, p.Leu3742Val (NM_000445.5); c.11101C>G, p.Leu3701Val (NM_201378.4); c.11077C>G, p.Leu3693Val (NM_201379.3); c.11554C>G, p.Leu3852Val (NM_201380.4); c.11047C>G, p.Leu3683Val (NM_201381.3); c.11143C>G, p.Leu3715Val (NM_201382.4); c.11155C>G, p.Leu3719Val (NM_201383.3); short protein forms L3715V, L3719V, L3701V, L3683V, L3693V, L3742V, L3852V.
Identifiers: ClinVar variation 1470887 (VCV001470887.8), dbSNP rs370177411, ClinGen allele CA4924424.

ClinVar aggregate classification (germline): Uncertain significance (1 of 4 stars; one submission).

Conditions:
Epidermolysis bullosa simplex 5B, with muscular dystrophy (EBS5B). Also called: EPIDERMOLYSIS BULLOSA SIMPLEX AND LIMB-GIRDLE MUSCULAR DYSTROPHY; Epidermolysis bullosa simplex with muscular dystrophy. Identifiers: Orphanet 257, MedGen C2931072, MONDO:0009181, OMIM 226670.
Epidermolysis bullosa simplex, Ogna type (EBS5A). Also called: Pidermolysis bullosa simplex 5A, Ogna type; EPIDERMOLYSIS BULLOSA SIMPLEX 5A, OGNA TYPE. Identifiers: Orphanet 79401, MedGen C0432317, MONDO:0007555, OMIM 131950.
Epidermolysis bullosa simplex with nail dystrophy (EBS5D). Identifiers: MedGen C4225309, MONDO:0014661, OMIM 616487.
Autosomal recessive limb-girdle muscular dystrophy type 2Q (LGMDR17). Also called: MUSCULAR DYSTROPHY, LIMB-GIRDLE, AUTOSOMAL RECESSIVE 17. Identifiers: Orphanet 254361, MedGen C3150989, MONDO:0013390, OMIM 613723.
Epidermolysis bullosa simplex 5C, with pyloric atresia (EBS5C). Also called: PLEC1-Related Epidermolysis Bullosa with Pyloric Atresia; PLEC-Related Epidermolysis Bullosa with Pyloric Atresia; Epidermolysis bullosa simplex with pyloric atresia. Identifiers: Orphanet 158684, MedGen C2677349, MONDO:0012807, OMIM 612138.

Allele frequency attached by ClinVar (database versions not stated): gnomAD exomes below 0.00001; ExAC 0.00001; gnomAD 0.00001; TOPMed 0.00001; ESP Exome Variant Server 0.00008.
gnomAD v4.1: 7 of 1,612,822 alleles (0.00043%); highest among the groups gnomAD compares: Non-Finnish European, 0.00059%; no homozygotes.

Submission:

Labcorp Genetics (formerly Invitae), Labcorp
Classification: Uncertain significance for Autosomal recessive limb-girdle muscular dystrophy type 2Q; Epidermolysis bullosa simplex, Ogna type; Epidermolysis bullosa simplex with nail dystrophy; Epidermolysis bullosa simplex 5C, with pyloric atresia; Epidermolysis bullosa simplex 5B, with muscular dystrophy. Last evaluated: 2022-08-09. Review status: criteria provided, single submitter. Criteria: Invitae Variant Classification Sherloc (09022015). Collection method: clinical testing. Allele origin: germline.
Comment: ClinVar contains an entry for this variant (Variation ID: 1470887). In summary, the available evidence is currently insufficient to determine the role of this variant in disease. Therefore, it has been classified as a Variant of Uncertain Significance. Algorithms developed to predict the effect of sequence changes on RNA splicing suggest that this variant may create or strengthen a splice site. Algorithms developed to predict the effect of missense changes on protein structure and function output the following: SIFT: "Tolerated"; PolyPhen-2: "Benign"; Align-GVGD: "Class C15". The valine amino acid residue is found in multiple mammalian species, which suggests that this missense change does not adversely affect protein function. This variant has not been reported in the literature in individuals affected with PLEC-related conditions. This variant is present in population databases (rs370177411, gnomAD 0.0009%). This sequence change replaces leucine, which is neutral and non-polar, with valine, which is neutral and non-polar, at codon 3742 of the PLEC protein (p.Leu3742Val).